The following is an entry in ClinVar:

ClinVar aggregate classification (germline): Uncertain significance (1 of 4 stars; one submission).

Conditions:
Primary familial hypertrophic cardiomyopathy (HCM). Identifiers: Orphanet 99739, MedGen C0949658, MeSH D024741, MONDO:0024573. Inheritance: Various modes of inheritance.
Dilated cardiomyopathy 1AA (CMD1AA). Also called: CARDIOMYOPATHY, DILATED, 1AA, WITH OR WITHOUT LEFT VENTRICULAR NONCOMPACTION; CARDIOMYOPATHY, FAMILIAL HYPERTROPHIC, 23, WITH OR WITHOUT LEFT VENTRICULAR NONCOMPACTION; Cardiomyopathy, dilated, 1AA, with or without LVNC. Identifiers: Orphanet 154, MedGen C2677338, MONDO:0012808, OMIM 612158.

Submission:

Labcorp Genetics (formerly Invitae), Labcorp
Classification: Uncertain significance for Primary familial hypertrophic cardiomyopathy; Dilated cardiomyopathy 1AA. Last evaluated: 2025-11-12. Review status: criteria provided, single submitter. Criteria: Invitae Variant Classification Sherloc (09022015). Collection method: clinical testing. Allele origin: germline.
Comment: This sequence change creates a premature translational stop signal (p.Gln579*) in the ACTN2 gene. It is expected to result in an absent or disrupted protein product. However, the current clinical and genetic evidence is not sufficient to establish whether loss-of-function variants in ACTN2 cause disease. This variant is not present in population databases (gnomAD no frequency). This variant has not been reported in the literature in individuals affected with ACTN2-related conditions. ClinVar contains an entry for this variant (Variation ID: 2950759). In summary, the available evidence is currently insufficient to determine the role of this variant in disease. Therefore, it has been classified as a Variant of Uncertain Significance.

NM_001103.4(ACTN2):c.1735C>T (p.Gln579Ter)

Gene: ACTN2 (actinin alpha 2; plus strand). Cytogenetic location: 1q43.
Variant type: single nucleotide variant.
Coding change: c.1735C>T on transcript NM_001103.4 (MANE Select); coding-DNA position 1735, C replaced by T.
Protein change: p.Gln579Ter; replaces glutamine 579 with a stop codon.
Molecular consequence: nonsense. On other transcripts: non-coding transcript variant (1).
Genome position (GRCh38, 1-based): chr1:236,751,548, C>T. VCF-style: chr1-236751548-C-T. GRCh37 (hg19) VCF-style: chr1-236914848-C-T.
Other names: c.1735C>T, p.Gln579Ter (NM_001278343.2); c.1111C>T, p.Gln371Ter (NM_001278344.2); c.985C>T, p.Gln329Ter (NM_001412150.1); short protein forms Q371*, Q329*, Q579*.
Identifiers: ClinVar variation 2950759 (VCV002950759.3), dbSNP rs2527635876, ClinGen allele CA345385908.